The following is an entry in ClinVar:

GRCh38/hg38 15q11.1-13.1(chr15:19879749-28702163)x4

Genes: SNORD115-37 (small nucleolar RNA, C/D box 115-37; plus strand), SNORD115-38 (small nucleolar RNA, C/D box 115-38; plus strand), SNORD115-39 (small nucleolar RNA, C/D box 115-39; plus strand), SNORD115-4 (small nucleolar RNA, C/D box 115-4; plus strand), SNORD115-40 (small nucleolar RNA, C/D box 115-40; plus strand) and 198 more. Cytogenetic location: 15q11.1-13.1.
Variant type: copy number gain.
Change: copy number 4 of chr15:19,879,749-28,702,163 (8.82 Mb, GRCh38 coordinates, 1-based), cytogenetic band 15q11.1-13.1.
Identifiers: ClinVar variation 58532 (VCV000058532.2).

ClinVar aggregate classification (germline): Pathogenic (1 of 4 stars; one submission).

Submission:

ISCA Site 6
Classification: Pathogenic. Last evaluated: 2011-08-12. Review status: criteria provided, single submitter. Criteria: Kaminsky et al. (Genet Med. 2011). Collection method: clinical testing. Allele origin: de novo. Affected: yes. Observed: 1 variant allele.
Comment: Copy number variation identified through the course of routine clinical cytogenomic testing in postnatal populations. Clinical assertions have been curated as described in Kaminsky et al. 2011.